The following is an entry in ClinVar:

ClinVar aggregate classification (germline): Conflicting classifications of pathogenicity. Review status: criteria provided, conflicting classifications (1 of 4 stars). 5 submissions from 5 submitters: Uncertain significance (4); Likely benign (1). Last evaluated 2025-12-30.

Conditions:
Fanconi anemia complementation group E (FANCE). Also called: FANCE-Related Fanconi Anemia. Identifiers: Orphanet 84, MedGen C3160739, MONDO:0010953, OMIM 600901.

Allele frequency attached by ClinVar (database versions not stated): gnomAD exomes 0.00004; gnomAD 0.00023 and 0.00021; 1000 Genomes Project 30x 0.00094; TOPMed 0.00029.
gnomAD v4.1: 86 of 1,300,006 alleles (0.0066%); highest among the groups gnomAD compares: African/African-American, 0.12%; no homozygotes.

Submissions (5):

Dasa
Classification: Likely benign. Last evaluated: 2025-12-30. Review status: criteria provided, single submitter. Criteria: DASA Assertion Criteria. Collection method: clinical testing. Allele origin: germline.
Comment: NM_021922.3(FANCE):c.65T>C (p.Leu22Pro) is a missense variant that results in the substitution of leucine with proline. Multiple computational predictions suggest no deleterious effect on the gene or gene product. Based on the available data, this variant is classified as likely benign.

Labcorp Genetics (formerly Invitae), Labcorp
Classification: Uncertain significance for Fanconi anemia complementation group E. Last evaluated: 2024-07-12. Review status: criteria provided, single submitter. Criteria: Invitae Variant Classification Sherloc (09022015). Collection method: clinical testing. Allele origin: germline.
Comment: This sequence change replaces leucine, which is neutral and non-polar, with proline, which is neutral and non-polar, at codon 22 of the FANCE protein (p.Leu22Pro). The frequency data for this variant in the population databases is considered unreliable, as metrics indicate poor data quality at this position in the gnomAD database. This variant has not been reported in the literature in individuals affected with FANCE-related conditions. ClinVar contains an entry for this variant (Variation ID: 645170). An algorithm developed to predict the effect of missense changes on protein structure and function (PolyPhen-2) suggests that this variant is likely to be disruptive. In summary, the available evidence is currently insufficient to determine the role of this variant in disease. Therefore, it has been classified as a Variant of Uncertain Significance.

GeneDx
Classification: Uncertain significance. Last evaluated: 2023-06-21. Review status: criteria provided, single submitter. Criteria: GeneDx Variant Classification Process June 2021. Collection method: clinical testing. Allele origin: germline. Affected: yes.
Comment: In silico analysis supports that this missense variant does not alter protein structure/function; Has not been previously published as pathogenic or benign to our knowledge

Fulgent Genetics
Classification: Uncertain significance for Fanconi anemia complementation group E. Last evaluated: 2021-07-07. Review status: criteria provided, single submitter. Criteria: ACMG Guidelines, 2015. Collection method: clinical testing. Allele origin: unknown.

Laboratorio de Genetica e Diagnostico Molecular, Hospital Israelita Albert Einstein
Classification: Uncertain significance. Last evaluated: 2020-12-01. Review status: criteria provided, single submitter. Criteria: ACMG Guidelines, 2015. Collection method: clinical testing. Allele origin: germline. Affected: yes.
Comment: ACMG classification criteria: PM2, BP4

NM_021922.3(FANCE):c.65T>C (p.Leu22Pro)

Genes: FANCE (FA complementation group E; plus strand), LOC129996245 (ATAC-STARR-seq lymphoblastoid silent region 17092; plus strand). Cytogenetic location: 6p21.31.
Variant type: single nucleotide variant.
Coding change: c.65T>C on transcript NM_021922.3 (MANE Select); coding-DNA position 65, T replaced by C.
Protein change: p.Leu22Pro; replaces leucine 22 with proline.
Molecular consequence: missense variant.
Genome position (GRCh38, 1-based): chr6:35,452,610, T>C. VCF-style: chr6-35452610-T-C. GRCh37 (hg19) VCF-style: chr6-35420387-T-C.
Other names: short protein forms L22P.
Identifiers: ClinVar variation 645170 (VCV000645170.10), dbSNP rs950301098, ClinGen allele CA137292291.